The following is an entry in ClinVar:

NM_032193.4(RNASEH2C):c.*310C>T

Genes: KAT5 (lysine acetyltransferase 5; plus strand), RNASEH2C (ribonuclease H2 subunit C; minus strand). Cytogenetic location: 11q13.1.
Variant type: single nucleotide variant.
Coding change: c.*310C>T on transcript NM_032193.4 (MANE Select); 310 bases downstream of the stop codon, C replaced by T.
Molecular consequence: 3 prime UTR variant.
Genome position (GRCh38, 1-based): chr11:65,719,473, G>A on the plus strand (C>T on the coding strand, the complement: RNASEH2C is on the minus strand). VCF-style: chr11-65719473-G-A. GRCh37 (hg19) VCF-style: chr11-65486944-G-A.
Other names: c.*292G>A (NM_001206833.2, NM_006388.4, NM_182709.3 and 1 more transcripts).
Identifiers: ClinVar variation 878690 (VCV000878690.4), dbSNP rs190723966, ClinGen allele CA223998407.
Genomic context (GRCh38, chr11:65,719,473, plus strand): 5'-GGGACCAGAGGGAGCCAGGCAGCTGTGTACAGTGAGAAGGGATCCGGATGGGGGAGCTCT[G>A]TACAGAGGGCTGGTGATTGTAAAAATTTCTTTTGTAAAGTAGAAGTTGGGGGTGGGGTGG-3'

ClinVar aggregate classification (germline): Likely benign (1 of 4 stars; one submission).

Conditions:
Aicardi-Goutieres syndrome 3. Identifiers: Orphanet 51, MedGen C1835916, MONDO:0012471, OMIM 610329.

Allele frequency attached by ClinVar (database versions not stated): TOPMed 0.00003; 1000 Genomes Project 30x 0.00062; 1000 Genomes Project 0.00080.
gnomAD v4.1: 300 of 608,420 alleles (0.049%); highest among the groups gnomAD compares: East Asian, 0.81%; 5 homozygotes.

Submission:

Illumina Laboratory Services, Illumina
Classification: Likely benign for Aicardi-Goutieres syndrome 3. Last evaluated: 2018-01-12. Review status: criteria provided, single submitter. Criteria: ICSL Variant Classification Criteria 13 December 2019. Collection method: clinical testing. Allele origin: germline.
Comment: This variant was observed in the ICSL laboratory as part of a predisposition screen in an ostensibly healthy population. It had not been previously curated by ICSL or reported in the Human Gene Mutation Database (HGMD: prior to June 1st, 2018), and was therefore a candidate for classification through an automated scoring system. Utilizing variant allele frequency, disease prevalence and penetrance estimates, and inheritance mode, an automated score was calculated to assess if this variant is too frequent to cause the disease. Based on the score and internal cut-off values, a variant classified as likely benign is not then subjected to further curation. The score for this variant resulted in a classification of likely benign for this disease.